The following is an entry in ClinVar:

ClinVar aggregate classification (germline): Pathogenic (1 of 4 stars; one submission).

Conditions:
Joubert syndrome. Also called: CEREBELLOPARENCHYMAL DISORDER IV; JOUBERT-BOLTSHAUSER SYNDROME; Familial aplasia of the vermis. Identifiers: Orphanet 475, MedGen C5979921, MONDO:0018772.
Meckel-Gruber syndrome. Also called: DYSENCEPHALIA SPLANCHNOCYSTICA; GRUBER SYNDROME; Dysencephalia splachnocystica. Identifiers: Orphanet 564, MedGen C0265215, MONDO:0018921.

Submission:

Labcorp Genetics (formerly Invitae), Labcorp
Classification: Pathogenic for Joubert syndrome; Meckel-Gruber syndrome. Last evaluated: 2023-11-19. Review status: criteria provided, single submitter. Criteria: Invitae Variant Classification Sherloc (09022015). Collection method: clinical testing. Allele origin: germline.
Comment: This sequence change creates a premature translational stop signal (p.Trp290*) in the TMEM67 gene. It is expected to result in an absent or disrupted protein product. Loss-of-function variants in TMEM67 are known to be pathogenic (PMID: 20232449, 23559409). This variant is not present in population databases (gnomAD no frequency). This variant has not been reported in the literature in individuals affected with TMEM67-related conditions. Algorithms developed to predict the effect of sequence changes on RNA splicing suggest that this variant may disrupt the consensus splice site. For these reasons, this variant has been classified as Pathogenic.

Literature cited by the submitters: PubMed 20232449; PubMed 23559409.

NM_153704.6(TMEM67):c.869G>A (p.Trp290Ter)

Gene: TMEM67 (transmembrane protein 67; plus strand). Cytogenetic location: 8q22.1.
Variant type: single nucleotide variant.
Coding change: c.869G>A on transcript NM_153704.6 (MANE Select); coding-DNA position 869, G replaced by A.
Protein change: p.Trp290Ter; replaces tryptophan 290 with a stop codon.
Molecular consequence: nonsense. On other transcripts: non-coding transcript variant (1).
Genome position (GRCh38, 1-based): chr8:93,780,747, G>A. VCF-style: chr8-93780747-G-A. GRCh37 (hg19) VCF-style: chr8-94792975-G-A.
Other names: c.626G>A, p.Trp209Ter (NM_001142301.1); short protein forms W209*, W290*.
Identifiers: ClinVar variation 2929045 (VCV002929045.3), dbSNP rs267607117, ClinGen allele CA371688122.